The following is an entry in ClinVar:

NM_021830.5(TWNK):c.952G>A (p.Ala318Thr)

Gene: TWNK (twinkle mtDNA helicase; plus strand). Cytogenetic location: 10q24.31.
Variant type: single nucleotide variant.
Coding change: c.952G>A on transcript NM_021830.5 (MANE Select); coding-DNA position 952, G replaced by A.
Protein change: p.Ala318Thr; replaces alanine 318 with threonine.
Molecular consequence: missense variant. On other transcripts: non-coding transcript variant (4), intron variant (3).
Genome position (GRCh38, 1-based): chr10:100,989,162, G>A. VCF-style: chr10-100989162-G-A. GRCh37 (hg19) VCF-style: chr10-102748919-G-A.
Other names: c.952G>A, p.Ala318Thr (NM_001163812.2); c.-119-482G>A (NM_001163814.2, NM_001163813.2); c.-57-544G>A (NM_001368275.1); short protein forms A318T.
Identifiers: ClinVar variation 4630 (VCV000004630.6), dbSNP rs80356542, ClinGen allele CA342356.

ClinVar aggregate classification (germline): Pathogenic. Review status: criteria provided, single submitter (1 of 4 stars). 3 submissions from 3 submitters: Pathogenic (1). 2 of the submissions do not count toward it. Last evaluated 2020-08-14.

Conditions:
Infantile onset spinocerebellar ataxia (MTDPS7). Also called: SPINOCEREBELLAR ATAXIA, INFANTILE, WITH SENSORY NEUROPATHY; OHAHA SYNDROME; Mitochondrial DNA depletion syndrome 7 (hepatocerebral type); OPHTHALMOPLEGIA, HYPOTONIA, ATAXIA, HYPOACUSIS, AND ATHETOSIS. Identifiers: Orphanet 1186, MedGen C1849096, MONDO:0010060, OMIM 271245.

Allele frequency attached by ClinVar (database versions not stated): gnomAD exomes below 0.00001; TOPMed below 0.00001; gnomAD 0.00001.
gnomAD v4.1: 4 of 1,612,496 alleles (0.00025%); highest among the groups gnomAD compares: Admixed American, 0.0017%; no homozygotes.

Submissions (3):

Laboratorio de Genetica e Diagnostico Molecular, Hospital Israelita Albert Einstein
Classification: Pathogenic. Last evaluated: 2020-08-14. Review status: criteria provided, single submitter. Criteria: ACMG Guidelines, 2015. Collection method: clinical testing. Allele origin: germline. Affected: yes.
Comment: ACMG classification criteria: PS4, PM2, PM3, PP2, PP3

OMIM
Classification: Pathogenic for MITOCHONDRIAL DNA DEPLETION SYNDROME 7 (HEPATOCEREBRAL TYPE). Last evaluated: 2007-11-01. Review status: no assertion criteria provided. Collection method: literature only. Allele origin: germline. Not counted in ClinVar's aggregate classification.

GeneReviews
No classification provided. Condition: Infantile onset spinocerebellar ataxia. Review status: no classification provided. Collection method: literature only. Allele origin: germline. Not counted in ClinVar's aggregate classification.

Literature cited by the submitters: PubMed 17921179 (cited by OMIM and GeneReviews); NCBI Bookshelf NBK3795 (cited by GeneReviews).